The following is an entry in ClinVar:

NM_021098.3(CACNA1H):c.6661C>G (p.Pro2221Ala)

Gene: CACNA1H (calcium voltage-gated channel subunit alpha1 H; plus strand). Cytogenetic location: 16p13.3.
Variant type: single nucleotide variant.
Coding change: c.6661C>G on transcript NM_021098.3 (MANE Select); coding-DNA position 6661, C replaced by G.
Protein change: p.Pro2221Ala; replaces proline 2221 with alanine.
Molecular consequence: missense variant.
Genome position (GRCh38, 1-based): chr16:1,220,593, C>G. VCF-style: chr16-1220593-C-G. GRCh37 (hg19) VCF-style: chr16-1270593-C-G.
Other names: c.6643C>G, p.Pro2215Ala (NM_001005407.2); short protein forms P2221A, P2215A.
Identifiers: ClinVar variation 661712 (VCV000661712.8), dbSNP rs1596481482, ClinGen allele CA394150153.
Genomic context (GRCh38, chr16:1,220,593, plus strand): 5'-GAGGGCTCTGCGCGGCCCTCCGCGGCAGAGGGCGGCAGCACCACACTGAGGCGCAGGACC[C>G]CGTCCTGTGAGGCCACGCCTCACAGGGACTCCCTGGAGCCCACAGAGGGCTCAGGCGCCG-3'
Protein context (NP_066921.2, residues 2211-2231): GGSTTLRRRT[Pro2221Ala]SCEATPHRDS

ClinVar aggregate classification (germline): Uncertain significance (1 of 4 stars; one submission).

Conditions:
Idiopathic generalized epilepsy. Also called: Generalised epilepsy; EIG. Identifiers: MedGen C0270850, MONDO:0005579, OMIM 600669.
Hyperaldosteronism, familial, type IV (HALD4). Also called: FH IV; ALDOSTERONISM, PRIMARY, AND HYPERTENSION. Identifiers: Orphanet 642671, MedGen C4310756, MONDO:0014875, OMIM 617027.

Submission:

Labcorp Genetics (formerly Invitae), Labcorp
Classification: Uncertain significance for Idiopathic generalized epilepsy; Hyperaldosteronism, familial, type IV. Last evaluated: 2018-09-10. Review status: criteria provided, single submitter. Criteria: Invitae Variant Classification Sherloc (09022015). Collection method: clinical testing. Allele origin: germline.
Comment: This variant has not been reported in the literature in individuals with CACNA1H-related disease. This variant is not present in population databases (ExAC no frequency). This sequence change replaces proline with alanine at codon 2221 of the CACNA1H protein (p.Pro2221Ala). The proline residue is highly conserved and there is a small physicochemical difference between proline and alanine. Algorithms developed to predict the effect of missense changes on protein structure and function are either unavailable or do not agree on the potential impact of this missense change (SIFT: "Deleterious"; PolyPhen-2: "Probably Damaging"; Align-GVGD: "Class C0"). In summary, the available evidence is currently insufficient to determine the role of this variant in disease. Therefore, it has been classified as a Variant of Uncertain Significance.